The following is an entry in ClinVar:

ClinVar aggregate classification (germline): Uncertain significance. Review status: criteria provided, multiple submitters, no conflicts (2 of 4 stars). 3 submissions from 3 submitters: Uncertain significance (3). Last evaluated 2024-11-24.

Conditions:
Hereditary cancer-predisposing syndrome. Also called: Tumor predisposition; Hereditary Cancer Syndrome; Hereditary neoplastic syndrome; Neoplastic Syndromes, Hereditary. Identifiers: Orphanet 140162, MedGen C0027672, MeSH D009386, MONDO:0015356.
POLD1-related polyposis and colorectal cancer syndrome (CRCS10). Also called: Colorectal cancer 10; COLORECTAL CANCER, SUSCEPTIBILITY TO, ON CHROMOSOME 19q; Colorectal cancer, susceptibility to, 10. Identifiers: Orphanet 220460, MedGen C2675481, MONDO:0012953, OMIM 612591.

Allele frequency attached by ClinVar (database versions not stated): gnomAD exomes below 0.00001 and 0.00001.
gnomAD v4.1: 3 of 1,559,336 alleles (0.00019%); highest among the groups gnomAD compares: Non-Finnish European, 0.00026%; no homozygotes.

Submissions (3):

Labcorp Genetics (formerly Invitae), Labcorp
Classification: Uncertain significance for POLD1-related polyposis and colorectal cancer syndrome. Last evaluated: 2024-11-24. Review status: criteria provided, single submitter. Criteria: Invitae Variant Classification Sherloc (09022015). Collection method: clinical testing. Allele origin: germline.
Comment: This sequence change replaces glutamic acid, which is acidic and polar, with lysine, which is basic and polar, at codon 57 of the POLD1 protein (p.Glu57Lys). This variant is present in population databases (no rsID available, gnomAD 0.002%). This variant has not been reported in the literature in individuals affected with POLD1-related conditions. ClinVar contains an entry for this variant (Variation ID: 1045832). An algorithm developed to predict the effect of missense changes on protein structure and function (PolyPhen-2) suggests that this variant is likely to be tolerated. In summary, the available evidence is currently insufficient to determine the role of this variant in disease. Therefore, it has been classified as a Variant of Uncertain Significance.

Ambry Genetics
Classification: Uncertain significance for Hereditary cancer-predisposing syndrome. Last evaluated: 2024-03-20. Review status: criteria provided, single submitter. Criteria: Ambry Variant Classification Scheme 2023. Collection method: clinical testing. Allele origin: germline.
Comment: The p.E57K variant (also known as c.169G>A), located in coding exon 1 of the POLD1 gene, results from a G to A substitution at nucleotide position 169. The glutamic acid at codon 57 is replaced by lysine, an amino acid with similar properties. This amino acid position is conserved. In addition, this alteration is predicted to be tolerated by in silico analysis. Based on the available evidence, the clinical significance of this alteration remains unclear.

GeneDx
Classification: Uncertain significance. Last evaluated: 2020-06-23. Review status: criteria provided, single submitter. Criteria: GeneDx Variant Classification Process June 2021. Collection method: clinical testing. Allele origin: germline. Affected: yes.
Comment: Not observed at a significant frequency in large population cohorts (Lek et al., 2016); In silico analysis supports that this missense variant does not alter protein structure/function; Has not been previously published as pathogenic or benign to our knowledge

NM_002691.4(POLD1):c.169G>A (p.Glu57Lys)

Gene: POLD1 (DNA polymerase delta 1, catalytic subunit; plus strand). Cytogenetic location: 19q13.33.
Variant type: single nucleotide variant.
Coding change: c.169G>A on transcript NM_002691.4 (MANE Select); coding-DNA position 169, G replaced by A.
Protein change: p.Glu57Lys; replaces glutamic acid 57 with lysine.
Molecular consequence: missense variant. On other transcripts: non-coding transcript variant (1).
Genome position (GRCh38, 1-based): chr19:50,399,020, G>A. VCF-style: chr19-50399020-G-A. GRCh37 (hg19) VCF-style: chr19-50902277-G-A.
Other names: c.169G>A, p.Glu57Lys (NM_001256849.1, NM_001308632.1); c.169G>A (NM_002691.2); short protein forms E57K.
Identifiers: ClinVar variation 1045832 (VCV001045832.13), dbSNP rs1281656236, ClinGen allele CA406970299.